The following is an entry in ClinVar:

NM_016006.6(ABHD5):c.430T>C (p.Leu144=)

Gene: ABHD5 (abhydrolase domain containing 5, lysophosphatidic acid acyltransferase; plus strand). Cytogenetic location: 3p21.33.
Variant type: single nucleotide variant.
Coding change: c.430T>C on transcript NM_016006.6 (MANE Select); coding-DNA position 430, T replaced by C.
Protein change: p.Leu144=; no amino-acid change (leucine 144 retained).
Molecular consequence: synonymous variant. On other transcripts: non-coding transcript variant (1).
Genome position (GRCh38, 1-based): chr3:43,702,511, T>C. VCF-style: chr3-43702511-T-C. GRCh37 (hg19) VCF-style: chr3-43744003-T-C.
Other names: c.430T>C, p.Leu144= (NM_001355186.2, NM_001365650.1); c.307T>C, p.Leu103= (NM_001365649.1).
Identifiers: ClinVar variation 345219 (VCV000345219.14), dbSNP rs767197048, ClinGen allele CA2341336.

ClinVar aggregate classification (germline): Conflicting classifications of pathogenicity. Review status: criteria provided, conflicting classifications (1 of 4 stars). 3 submissions from 3 submitters: Uncertain significance (1); Likely benign (1). 1 of the submissions does not count toward it. Last evaluated 2025-10-04.

Conditions:
ABHD5-related disorder. Also called: ABHD5-related condition.
Triglyceride storage disease with ichthyosis (CDS). Also called: ICHTHYOSIFORM ERYTHRODERMA WITH LEUKOCYTE VACUOLATION; TRIGLYCERIDE STORAGE DISEASE WITH IMPAIRED LONG-CHAIN FATTY ACID OXIDATION; Chanarin-Dorfman Syndrome; Dorfman-Chanarin disease. Identifiers: Orphanet 98907, MedGen C0268238, MONDO:0010155, OMIM 275630.

Allele frequency attached by ClinVar (database versions not stated): gnomAD 0.00003; TOPMed 0.00007; gnomAD exomes 0.00008; ExAC 0.00009.
gnomAD v4.1: 31 of 1,614,204 alleles (0.0019%); highest among the groups gnomAD compares: East Asian, 0.038%; no homozygotes.

Submissions (3):

Labcorp Genetics (formerly Invitae), Labcorp
Classification: Likely benign. Last evaluated: 2025-10-04. Review status: criteria provided, single submitter. Criteria: Invitae Variant Classification Sherloc (09022015). Collection method: clinical testing. Allele origin: germline.

Illumina Laboratory Services, Illumina
Classification: Uncertain significance for Triglyceride storage disease with ichthyosis. Last evaluated: 2018-01-13. Review status: criteria provided, single submitter. Criteria: ICSL Variant Classification Criteria 13 December 2019. Collection method: clinical testing. Allele origin: germline.

PreventionGenetics, part of Exact Sciences
Classification: Likely benign for ABHD5-related condition. Last evaluated: 2023-04-10. Review status: no assertion criteria provided. Collection method: clinical testing. Allele origin: germline. Not counted in ClinVar's aggregate classification.
Comment: This variant is classified as likely benign based on ACMG/AMP sequence variant interpretation guidelines (Richards et al. 2015 PMID: 25741868, with internal and published modifications).